The following is an entry in ClinVar:

NM_003105.6(SORL1):c.3738C>T (p.Asn1246=)

Gene: SORL1 (sortilin related receptor 1; plus strand). Cytogenetic location: 11q24.1.
Variant type: single nucleotide variant.
Coding change: c.3738C>T on transcript NM_003105.6 (MANE Select); coding-DNA position 3738, C replaced by T.
Protein change: p.Asn1246=; no amino-acid change (asparagine 1246 retained).
Molecular consequence: synonymous variant.
Genome position (GRCh38, 1-based): chr11:121,586,253, C>T. VCF-style: chr11-121586253-C-T. GRCh37 (hg19) VCF-style: chr11-121456962-C-T.
Other names: c.3738C>T (NM_003105.5).
Identifiers: ClinVar variation 1209963 (VCV001209963.13), dbSNP rs1699102, ClinGen allele CA6329387.
Genomic context (GRCh38, chr11:121,586,253, plus strand): 5'-TTCTTCTGTGTTGTTGAATTCTATTTCAGAGAAGAAGTGCAATGGATTCCGCTGCCCAAA[C>T]GGCACTTGCATCCCATCCAGCAAACATTGTGATGGTCTGCGTGATTGCTCTGATGGCTCC-3'
Protein context (NP_003096.2, residues 1236-1256): EKKCNGFRCP[Asn1246=]GTCIPSSKHC

ClinVar aggregate classification (germline): Benign. Review status: criteria provided, multiple submitters, no conflicts (2 of 4 stars). 5 submissions from 5 submitters: Benign (2). 3 of the submissions do not count toward it. Last evaluated 2026-02-04.

Conditions:
SORL1-related disorder. Also called: SORL1-related condition.

Allele frequency attached by ClinVar (database versions not stated): 1000 Genomes Project 0.40735; 1000 Genomes Project 30x 0.41380; TOPMed 0.55041; ESP Exome Variant Server 0.60766.
gnomAD v4.1: 989,566 of 1,611,814 alleles (61%); highest among the groups gnomAD compares: Non-Finnish European, 67%; 316,661 homozygotes.

Submissions (5):

Labcorp Genetics (formerly Invitae), Labcorp
Classification: Benign. Last evaluated: 2026-02-04. Review status: criteria provided, single submitter. Criteria: Invitae Variant Classification Sherloc (09022015). Collection method: clinical testing. Allele origin: germline.

Breakthrough Genomics
Classification: Benign. Review status: criteria provided, single submitter. Criteria: ACMG Guidelines, 2015. Collection method: not provided. Allele origin: germline. Inheritance: Unknown mechanism. Affected: yes.

PreventionGenetics, part of Exact Sciences
Classification: Benign for SORL1-related condition. Last evaluated: 2019-10-21. Review status: no assertion criteria provided. Collection method: clinical testing. Allele origin: germline. Not counted in ClinVar's aggregate classification.
Comment: This variant is classified as benign based on ACMG/AMP sequence variant interpretation guidelines (Richards et al. 2015 PMID: 25741868, with internal and published modifications).

Clinical Genetics DNA and cytogenetics Diagnostics Lab, Erasmus MC, Erasmus Medical Center
Classification: Benign. Review status: no assertion criteria provided. Collection method: clinical testing. Allele origin: germline. Affected: yes. Study: VKGL Data-share Consensus. Not counted in ClinVar's aggregate classification.

Genome Diagnostics Laboratory, Amsterdam University Medical Center
Classification: Benign. Review status: no assertion criteria provided. Collection method: clinical testing. Allele origin: germline. Affected: yes. Study: VKGL Data-share Consensus. Not counted in ClinVar's aggregate classification.